The following is an entry in ClinVar:

NM_004553.6(NDUFS6):c.67C>A (p.Leu23Met)

Gene: NDUFS6 (NADH:ubiquinone oxidoreductase subunit S6; plus strand). Cytogenetic location: 5p15.33.
Variant type: single nucleotide variant.
Coding change: c.67C>A on transcript NM_004553.6 (MANE Select); coding-DNA position 67, C replaced by A.
Protein change: p.Leu23Met; replaces leucine 23 with methionine.
Molecular consequence: missense variant.
Genome position (GRCh38, 1-based): chr5:1,801,484, C>A. VCF-style: chr5-1801484-C-A. GRCh37 (hg19) VCF-style: chr5-1801598-C-A.
Other names: short protein forms L23M.
Identifiers: ClinVar variation 1480955 (VCV001480955.6), dbSNP rs1014264454, ClinGen allele CA359088716.

ClinVar aggregate classification (germline): Uncertain significance (1 of 4 stars; one submission).

gnomAD v4.1: 2 of 1,603,312 alleles (0.00012%); highest among the groups gnomAD compares: Admixed American, 0.0017%; no homozygotes.

Submission:

Labcorp Genetics (formerly Invitae), Labcorp
Classification: Uncertain significance. Last evaluated: 2021-12-02. Review status: criteria provided, single submitter. Criteria: Invitae Variant Classification Sherloc (09022015). Collection method: clinical testing. Allele origin: germline.
Comment: This sequence change replaces leucine, which is neutral and non-polar, with methionine, which is neutral and non-polar, at codon 23 of the NDUFS6 protein (p.Leu23Met). The frequency data for this variant in the population databases is considered unreliable, as metrics indicate poor data quality at this position in the gnomAD database. This variant has not been reported in the literature in individuals affected with NDUFS6-related conditions. Algorithms developed to predict the effect of missense changes on protein structure and function (SIFT, PolyPhen-2, Align-GVGD) all suggest that this variant is likely to be tolerated. In summary, the available evidence is currently insufficient to determine the role of this variant in disease. Therefore, it has been classified as a Variant of Uncertain Significance.